The following is an entry in ClinVar:

NM_001040142.2(SCN2A):c.1612C>T (p.Arg538Cys)

Gene: SCN2A (sodium voltage-gated channel alpha subunit 2; plus strand). Cytogenetic location: 2q24.3.
Variant type: single nucleotide variant.
Coding change: c.1612C>T on transcript NM_001040142.2 (MANE Select); coding-DNA position 1612, C replaced by T.
Protein change: p.Arg538Cys; replaces arginine 538 with cysteine.
Molecular consequence: missense variant.
Genome position (GRCh38, 1-based): chr2:165,315,699, C>T. VCF-style: chr2-165315699-C-T. GRCh37 (hg19) VCF-style: chr2-166172209-C-T.
Other names: c.1612C>T, p.Arg538Cys (NM_001040143.2, NM_001371246.1, NM_001371247.1 and 1 more transcripts); c.1612C>T (NM_021007.2); short protein forms R538C.
Identifiers: ClinVar variation 976126 (VCV000976126.14), dbSNP rs775923587, ClinGen allele CA1939844.

ClinVar aggregate classification (germline): Uncertain significance. Review status: criteria provided, multiple submitters, no conflicts (2 of 4 stars). 4 submissions from 4 submitters: Uncertain significance (4). Last evaluated 2025-09-26.

Conditions:
Developmental and epileptic encephalopathy, 11 (DEE11). Also called: Early infantile epileptic encephalopathy 11. Identifiers: Orphanet 1934, MedGen C3150987, MONDO:0013388, OMIM 613721.
Inborn genetic diseases. Identifiers: MedGen C0950123, MeSH D030342.
Seizures, benign familial infantile, 3 (BFIS3). Also called: Familial neonatal seizures; CONVULSIONS, BENIGN FAMILIAL INFANTILE, 3. Identifiers: Orphanet 140927, Orphanet 306, MedGen C1843140, MONDO:0011904, OMIM 607745.

Allele frequency attached by ClinVar (database versions not stated): gnomAD exomes 0.00001; ExAC 0.00002.

Submissions (4):

Labcorp Genetics (formerly Invitae), Labcorp
Classification: Uncertain significance for Seizures, benign familial infantile, 3; Developmental and epileptic encephalopathy, 11. Last evaluated: 2025-09-26. Review status: criteria provided, single submitter. Criteria: Invitae Variant Classification Sherloc (09022015). Collection method: clinical testing. Allele origin: germline.
Comment: This sequence change replaces arginine, which is basic and polar, with cysteine, which is neutral and slightly polar, at codon 538 of the SCN2A protein (p.Arg538Cys). This variant is present in population databases (rs775923587, gnomAD 0.003%). This variant has not been reported in the literature in individuals affected with SCN2A-related conditions. ClinVar contains an entry for this variant (Variation ID: 976126). Invitae Evidence Modeling of protein sequence and biophysical properties (such as structural, functional, and spatial information, amino acid conservation, physicochemical variation, residue mobility, and thermodynamic stability) indicates that this missense variant is expected to disrupt SCN2A protein function with a positive predictive value of 95%. In summary, the available evidence is currently insufficient to determine the role of this variant in disease. Therefore, it has been classified as a Variant of Uncertain Significance.

Ambry Genetics
Classification: Uncertain significance for Inborn genetic diseases. Last evaluated: 2023-02-17. Review status: criteria provided, single submitter. Criteria: Ambry Variant Classification Scheme 2023. Collection method: clinical testing. Allele origin: germline.

Institute of Human Genetics, University of Leipzig Medical Center
Classification: Uncertain significance for Developmental and epileptic encephalopathy, 11. Last evaluated: 2023-02-14. Review status: criteria provided, single submitter. Criteria: ACMG Guidelines, 2015. Collection method: clinical testing. Allele origin: unknown. Inheritance: Autosomal dominant inheritance. Affected: yes.

Centre of Medical Genetics, University Hospital Muenster
Classification: Uncertain significance. Last evaluated: 2022-05-16. Review status: criteria provided, single submitter. Criteria: ACMG Guidelines, 2015. Collection method: clinical testing. Allele origin: unknown. Affected: yes. Observed: 1 variant allele, 1 heterozygote.
Comment: ACMG categories: PM1,PP3